The following is an entry in ClinVar:

ClinVar aggregate classification (germline): Uncertain significance (1 of 4 stars; one submission).

Conditions:
Cardiovascular phenotype. Identifiers: MedGen CN230736.

Allele frequency attached by ClinVar (database versions not stated): gnomAD exomes below 0.00001; TOPMed below 0.00001; gnomAD 0.00002.
gnomAD v4.1: 5 of 1,612,500 alleles (0.00031%); highest among the groups gnomAD compares: African/African-American, 0.0067%; no homozygotes.

Submission:

Ambry Genetics
Classification: Uncertain significance for Cardiovascular phenotype. Last evaluated: 2019-07-10. Review status: criteria provided, single submitter. Criteria: Ambry Variant Classification Scheme 2023. Collection method: clinical testing. Allele origin: germline.
Comment: The p.P9343S variant (also known as c.28027C>T), located in coding exon 111 of the TTN gene, results from a C to T substitution at nucleotide position 28027. The proline at codon 9343 is replaced by serine, an amino acid with similar properties. This amino acid position is highly conserved in available vertebrate species. In addition, the in silico prediction for this alteration is inconclusive. Since supporting evidence is limited at this time, the clinical significance of this alteration remains unclear.

NM_001267550.2(TTN):c.55222C>T (p.Pro18408Ser)

Genes: TTN (titin; minus strand), TTN-AS1 (TTN antisense RNA 1; plus strand). Cytogenetic location: 2q31.2.
Variant type: single nucleotide variant.
Coding change: c.55222C>T on transcript NM_001267550.2 (MANE Select); coding-DNA position 55222, C replaced by T.
Protein change: p.Pro18408Ser; replaces proline 18408 with serine.
Molecular consequence: missense variant.
Genome position (GRCh38, 1-based): chr2:178,602,049, G>A on the plus strand (C>T on the coding strand, the complement: TTN is on the minus strand). VCF-style: chr2-178602049-G-A. GRCh37 (hg19) VCF-style: chr2-179466776-G-A.
Other names: c.50299C>T, p.Pro16767Ser (NM_001256850.1); c.28027C>T, p.Pro9343Ser (NM_003319.4); c.47518C>T, p.Pro15840Ser (NM_133378.4); c.28402C>T, p.Pro9468Ser (NM_133432.3); c.28603C>T, p.Pro9535Ser (NM_133437.4); short protein forms P15840S, P18408S, P9343S, P9468S, P9535S, P16767S.
Identifiers: ClinVar variation 1796230 (VCV001796230.2), dbSNP rs1400469796, ClinGen allele CA349543596.
Genomic context (GRCh38, chr2:178,602,049, plus strand): 5'-GTTATTTTCCTACCTTCATTGCTTTCTTTGCCTTTCCATCAAATTCCCAAGATGATTTTG[G>A]TGTTGGGCGTCCCTTGATGACAGCAGGAATCCTAATCTGTGAGCCAGCTTTACAAACCAG-3'
Protein context (NP_001254479.2, residues 18398-18418): IPAVIKGRPT[Pro18408Ser]KSSWEFDGKA